The following is an entry in ClinVar:

NM_020338.4(ZMIZ1):c.553C>T (p.Pro185Ser)

Gene: ZMIZ1 (zinc finger MIZ-type containing 1; plus strand). Cytogenetic location: 10q22.3.
Variant type: single nucleotide variant.
Coding change: c.553C>T on transcript NM_020338.4 (MANE Select); coding-DNA position 553, C replaced by T.
Protein change: p.Pro185Ser; replaces proline 185 with serine.
Molecular consequence: missense variant.
Genome position (GRCh38, 1-based): chr10:79,290,971, C>T. VCF-style: chr10-79290971-C-T. GRCh37 (hg19) VCF-style: chr10-81050728-C-T.
Other names: short protein forms P185S.
Identifiers: ClinVar variation 2501442 (VCV002501442.1), dbSNP rs1853455516, ClinGen allele CA377331944.

ClinVar aggregate classification (germline): Uncertain significance (1 of 4 stars; one submission).

Submission:

GeneDx
Classification: Uncertain significance. Last evaluated: 2022-11-02. Review status: criteria provided, single submitter. Criteria: GeneDx Variant Classification Process June 2021. Collection method: clinical testing. Allele origin: germline. Affected: yes.
Comment: Not observed at significant frequency in large population cohorts (gnomAD); In silico analysis supports that this missense variant has a deleterious effect on protein structure/function; Has not been previously published as pathogenic or benign to our knowledge